The following is an entry in ClinVar:

ClinVar aggregate classification (germline): Uncertain significance. Review status: criteria provided, multiple submitters, no conflicts (2 of 4 stars). 3 submissions from 3 submitters: Uncertain significance (3). Last evaluated 2025-12-26.

Conditions:
Cardiovascular phenotype. Identifiers: MedGen CN230736.
Hereditary cancer-predisposing syndrome. Also called: Hereditary Cancer Syndrome; Hereditary neoplastic syndrome; Neoplastic Syndromes, Hereditary; Tumor predisposition. Identifiers: Orphanet 140162, MedGen C0027672, MeSH D009386, MONDO:0015356.
LZTR1-related schwannomatosis. Also called: Schwannomatosis 2; Schwannomatosis-2, susceptibility to. Identifiers: Orphanet 93921, MedGen C3810283, MONDO:0014299, OMIM 615670.

Allele frequency attached by ClinVar (database versions not stated): gnomAD 0.00001; gnomAD exomes 0.00001; ExAC 0.00003.
gnomAD v4.1: 22 of 1,613,346 alleles (0.0014%); highest among the groups gnomAD compares: South Asian, 0.0099%; no homozygotes.

Submissions (3):

Labcorp Genetics (formerly Invitae), Labcorp
Classification: Uncertain significance. Last evaluated: 2025-12-26. Review status: criteria provided, single submitter. Criteria: Invitae Variant Classification Sherloc (09022015). Collection method: clinical testing. Allele origin: germline.
Comment: This sequence change replaces arginine, which is basic and polar, with histidine, which is basic and polar, at codon 440 of the LZTR1 protein (p.Arg440His). This variant is present in population databases (rs764415634, gnomAD 0.007%). This variant has not been reported in the literature in individuals affected with LZTR1-related conditions. ClinVar contains an entry for this variant (Variation ID: 1769848). Invitae Evidence Modeling of protein sequence and biophysical properties (such as structural, functional, and spatial information, amino acid conservation, physicochemical variation, residue mobility, and thermodynamic stability) indicates that this missense variant is not expected to disrupt LZTR1 protein function with a negative predictive value of 80%. In summary, the available evidence is currently insufficient to determine the role of this variant in disease. Therefore, it has been classified as a Variant of Uncertain Significance.

Ambry Genetics
Classification: Uncertain significance for Cardiovascular phenotype; Hereditary cancer-predisposing syndrome. Last evaluated: 2025-10-02. Review status: criteria provided, single submitter. Criteria: Ambry Variant Classification Scheme 2023. Collection method: clinical testing. Allele origin: germline.

Baylor Genetics
Classification: Uncertain significance for LZTR1-related schwannomatosis. Last evaluated: 2023-11-17. Review status: criteria provided, single submitter. Criteria: ACMG Guidelines, 2015. Collection method: clinical testing. Allele origin: unknown.

NM_006767.4(LZTR1):c.1319G>A (p.Arg440His)

Gene: LZTR1 (leucine zipper like post translational regulator 1; plus strand). Cytogenetic location: 22q11.21.
Variant type: single nucleotide variant.
Coding change: c.1319G>A on transcript NM_006767.4 (MANE Select); coding-DNA position 1319, G replaced by A.
Protein change: p.Arg440His; replaces arginine 440 with histidine.
Molecular consequence: missense variant.
Genome position (GRCh38, 1-based): chr22:20,993,720, G>A. VCF-style: chr22-20993720-G-A. GRCh37 (hg19) VCF-style: chr22-21348009-G-A.
Other names: short protein forms R440H.
Identifiers: ClinVar variation 1769848 (VCV001769848.8), dbSNP rs764415634, ClinGen allele CA10118813.